The following is an entry in ClinVar:

NM_030773.4(TUBB1):c.754A>G (p.Lys252Glu)

Gene: TUBB1 (tubulin beta 1 class VI; plus strand). Cytogenetic location: 20q13.32.
Variant type: single nucleotide variant.
Coding change: c.754A>G on transcript NM_030773.4 (MANE Select); coding-DNA position 754, A replaced by G.
Protein change: p.Lys252Glu; replaces lysine 252 with glutamic acid.
Molecular consequence: missense variant.
Genome position (GRCh38, 1-based): chr20:59,024,181, A>G. VCF-style: chr20-59024181-A-G. GRCh37 (hg19) VCF-style: chr20-57599236-A-G.
Other names: short protein forms K252E.
Identifiers: ClinVar variation 2692053 (VCV002692053.4), dbSNP rs2515917308, ClinGen allele CA409467588.

ClinVar aggregate classification (germline): Uncertain significance. Review status: criteria provided, single submitter (1 of 4 stars). 2 submissions from 2 submitters: Uncertain significance (1). 1 of the submissions does not count toward it. Last evaluated 2025-03-04.

Conditions:
TUBB1-related disorder. Also called: TUBB1-related condition.

Allele frequency attached by ClinVar (database versions not stated): gnomAD exomes below 0.00001.
gnomAD v4.1: 1 of 1,614,180 alleles (0.000062%); highest among the groups gnomAD compares: Non-Finnish European, 0.000085%; no homozygotes.

Submissions (2):

Center for Genomic Medicine, Rigshospitalet, Copenhagen University Hospital
Classification: Uncertain significance. Last evaluated: 2025-03-04. Review status: criteria provided, single submitter. Criteria: ACMG Guidelines, 2015. Collection method: clinical testing. Allele origin: germline.

PreventionGenetics, part of Exact Sciences
Classification: Uncertain significance for TUBB1-related condition. Last evaluated: 2024-06-27. Review status: no assertion criteria provided. Collection method: clinical testing. Allele origin: germline. Not counted in ClinVar's aggregate classification.
Comment: The TUBB1 c.754A>G variant is predicted to result in the amino acid substitution p.Lys252Glu. To our knowledge, this variant has not been reported in the literature or in a large population database, indicating this variant is rare. At this time, the clinical significance of this variant is uncertain due to the absence of conclusive functional and genetic evidence.

Literature cited by the submitters: PubMed 30854628 (cited by Center for Genomic Medicine, Rigshospitalet, Copenhagen University Hospital); PubMed 31064749 (cited by Center for Genomic Medicine, Rigshospitalet, Copenhagen University Hospital).